The following is an entry in ClinVar:

NM_001853.4(COL9A3):c.370-3C>T

Gene: COL9A3 (collagen type IX alpha 3 chain; plus strand). Cytogenetic location: 20q13.33.
Variant type: single nucleotide variant.
Coding change: c.370-3C>T on transcript NM_001853.4 (MANE Select); 3 bases into the intron before coding-DNA position 370, C replaced by T.
Molecular consequence: intron variant.
Genome position (GRCh38, 1-based): chr20:62,821,754, C>T. VCF-style: chr20-62821754-C-T. GRCh37 (hg19) VCF-style: chr20-61453106-C-T.
Identifiers: ClinVar variation 1355075 (VCV001355075.7), dbSNP rs373307357, ClinGen allele CA9949226.

ClinVar aggregate classification (germline): Conflicting classifications of pathogenicity. Review status: criteria provided, conflicting classifications (1 of 4 stars). 2 submissions from 2 submitters: Uncertain significance (1); Likely benign (1). Last evaluated 2025-05-26.

Allele frequency attached by ClinVar (database versions not stated): ExAC 0.00002; gnomAD exomes 0.00002 and 0.00005; gnomAD 0.00003; TOPMed 0.00003; ESP Exome Variant Server 0.00008.
gnomAD v4.1: 69 of 1,609,954 alleles (0.0043%); highest among the groups gnomAD compares: Non-Finnish European, 0.0056%; no homozygotes.

Submissions (2):

Labcorp Genetics (formerly Invitae), Labcorp
Classification: Uncertain significance. Last evaluated: 2025-05-26. Review status: criteria provided, single submitter. Criteria: Invitae Variant Classification Sherloc (09022015). Collection method: clinical testing. Allele origin: germline.
Comment: This sequence change falls in intron 7 of the COL9A3 gene. It does not directly change the encoded amino acid sequence of the COL9A3 protein. It affects a nucleotide within the consensus splice site. This variant is present in population databases (rs373307357, gnomAD 0.006%). This variant has not been reported in the literature in individuals affected with COL9A3-related conditions. ClinVar contains an entry for this variant (Variation ID: 1355075). Variants that disrupt the consensus splice site are a relatively common cause of aberrant splicing (PMID: 17576681, 9536098). Algorithms developed to predict the effect of sequence changes on RNA splicing suggest that this variant is not likely to affect RNA splicing. In summary, the available evidence is currently insufficient to determine the role of this variant in disease. Therefore, it has been classified as a Variant of Uncertain Significance.

Blueprint Genetics
Classification: Likely benign. Last evaluated: 2022-08-26. Review status: criteria provided, single submitter. Criteria: ACMG Guidelines, 2015. Collection method: clinical testing. Allele origin: germline.

Literature cited by the submitters: PubMed 17576681 (cited by Labcorp Genetics (formerly Invitae), Labcorp); PubMed 9536098 (cited by Labcorp Genetics (formerly Invitae), Labcorp).